The following is an entry in ClinVar:

ClinVar aggregate classification (germline): Uncertain significance. Review status: criteria provided, multiple submitters, no conflicts (2 of 4 stars). 2 submissions from 2 submitters: Uncertain significance (2). Last evaluated 2024-01-04.

Conditions:
Hereditary cancer-predisposing syndrome. Also called: Neoplastic Syndromes, Hereditary; Tumor predisposition; Hereditary neoplastic syndrome; Hereditary Cancer Syndrome. Identifiers: Orphanet 140162, MedGen C0027672, MeSH D009386, MONDO:0015356.

Submissions (2):

Blueprint Genetics
Classification: Uncertain significance. Last evaluated: 2024-01-04. Review status: criteria provided, single submitter. Criteria: ACMG Guidelines, 2015. Collection method: clinical testing. Allele origin: germline.

Color Diagnostics, LLC DBA Color Health
Classification: Uncertain significance for Hereditary cancer-predisposing syndrome. Last evaluated: 2021-08-25. Review status: criteria provided, single submitter. Criteria: ACMG Guidelines, 2015. Collection method: clinical testing. Allele origin: germline.
Comment: This missense variant replaces serine with cysteine at codon 3364 of the BRCA2 protein. Computational prediction suggests that this variant may not impact protein structure and function (internally defined REVEL score threshold <= 0.5, PMID: 27666373). To our knowledge, functional studies have not been reported for this variant. This variant has been reported in a breast cancer case-control meta-analysis in 2/53459 unaffected individuals and absent in 60466 cases (PMID: 33471991; Leiden Open Variation Database DB-ID BRCA2_008816). This variant has not been identified in the general population by the Genome Aggregation Database (gnomAD). The available evidence is insufficient to determine the role of this variant in disease conclusively. Therefore, this variant is classified as a Variant of Uncertain Significance.

Literature cited by the submitters: PubMed 33471991 (cited by Color Diagnostics, LLC DBA Color Health).

NM_000059.4(BRCA2):c.10091C>G (p.Ser3364Cys)

Gene: BRCA2 (BRCA2 DNA repair associated; plus strand). Cytogenetic location: 13q13.1.
Variant type: single nucleotide variant.
Coding change: c.10091C>G on transcript NM_000059.4 (MANE Select); coding-DNA position 10091, C replaced by G.
Protein change: p.Ser3364Cys; replaces serine 3364 with cysteine.
Molecular consequence: missense variant. On other transcripts: non-coding transcript variant (1).
Genome position (GRCh38, 1-based): chr13:32,398,604, C>G. VCF-style: chr13-32398604-C-G. GRCh37 (hg19) VCF-style: chr13-32972741-C-G.
Other names: c.9995C>G, p.Ser3332Cys (NM_001406719.1); c.10040C>G, p.Ser3347Cys (NM_001406720.1); c.5159C>G, p.Ser1720Cys (NM_001406721.1); c.3674C>G, p.Ser1225Cys (NM_001406722.1); short protein forms S1720C, S3332C, S3347C, S3364C, S1225C.
Identifiers: ClinVar variation 2774975 (VCV002774975.3), dbSNP rs2137666483, ClinGen allele CA387767968.